The following is an entry in ClinVar:

ClinVar aggregate classification (germline): Likely pathogenic. Review status: reviewed by expert panel (3 of 4 stars). 13 submissions from 13 submitters: Likely pathogenic (1). 12 of the submissions do not count toward it. Last evaluated 2025-08-01.

Conditions:
RYR1-related disorder. Also called: RYR1-related disorders; RYR1-related condition. Identifiers: MedGen CN239331.
Malignant hyperthermia of anesthesia. Also called: Anesthesic-triggered malignant hyperthermia. Identifiers: Orphanet 423, MedGen C0024591, MONDO:0018493, HP:0034733.
Malignant hyperthermia, susceptibility to, 1 (MHS1). Also called: Malignant hyperthermia suceptibility 1; Anesthesia related hyperthermia; Malignant hyperpyrexia; Fulminating hyperpyrexia; Pharmacogenic myopathy; RYR1-Related Malignant Hyperthermia Susceptibility. Identifiers: Orphanet 423, MedGen C2930980, MONDO:0007783, OMIM 145600.

Allele frequency attached by ClinVar (database versions not stated): ExAC 0.00001; gnomAD exomes 0.00001.
gnomAD v4.1: 6 of 1,614,056 alleles (0.00037%); highest among the groups gnomAD compares: Non-Finnish European, 0.00051%; no homozygotes.

Submissions 1 to 6 of 13:

ClinGen Malignant Hyperthermia Susceptibility Variant Curation Expert Panel, ClinGen
Classification: Likely pathogenic for Malignant hyperthermia of anesthesia. Last evaluated: 2025-08-01. Review status: reviewed by expert panel. Criteria: RYR1-MHS Interpretation Guidelines V2. Collection method: curation. Allele origin: germline. Inheritance: Autosomal dominant inheritance.
Comment: This pathogenicity assessment is relevant only for malignant hyperthermia susceptibility (MHS) inherited in an autosomal dominant pattern. Variants in RYR1 can also cause other myopathies inherited in an autosomal dominant pattern or in an autosomal recessive pattern. Some of these disorders may predispose individuals to malignant hyperthermia. RYR1 variants may also contribute to a malignant hyperthermia reaction in combination with other genetic and non-genetic factors and the clinician needs to consider such factors in making management decisions. This sequence variant predicts a substitution of arginine with tryptophan at codon 2676 of the RYR1 protein, p.(Arg2676Trp). The maximum allele frequency for this variant among the six major gnomAD populations is NFE: 0.0000259, a frequency consistent with pathogenicity for MHS. This variant has been reported in eight unrelated individuals who have a personal or family history of a malignant hyperthermia reaction, all of these individuals had a positive in vitro contracture test (IVCT) or caffeine halothane contracture test (CHCT) result (if the proband was unavailable for testing, a positive diagnostic test result in a mutation-positive relative was counted). Two individuals were reported to have a second variant in RYR1 and were not considered for PS4, PS4_Moderate was applied (PMID:30236257, PMID:16163667, PMID:19191329, PMID:25960145, PMID:21157159, Stowell Laboratory personal communication). Functional studies in HEK293 cells show an increased sensitivity to RYR1 agonists, PS3_Moderate (PMID: 39890490). This variant does not reside in a hotspot for pathogenic variants that contribute to MHS. This variant segregates with MHS in more than ten individuals, PP1_Strong (PMID:30236257, PMID:25960145, PMID:14732627). A REVEL score of 0.601 supports neither a pathogenic nor a benign status for this variant. This variant has been classified as a Likely Pathogenic. Criteria implemented: PS3_Moderate, PS4_Moderate, PP1_Strong.

GeneDx
Classification: Pathogenic. Last evaluated: 2026-09-24. Review status: criteria provided, single submitter. Criteria: GeneDx Variant Classification Process June 2021. Collection method: clinical testing. Allele origin: germline. Not counted in ClinVar's aggregate classification.
Comment: Previously reported with a second RYR1 variant in a large family; both variants segregated with malignant hyperthermia and minicores on muscle histology without associated myopathy (PMID: 16163667, 14732627); Published functional studies suggest an increased sensitivity to caffeine, which is consistent with the mechanism for malignant hyperthermia (PMID: 39890490); Not observed at significant frequency in large population cohorts (gnomAD); In silico analysis supports that this missense variant has a deleterious effect on protein structure/function; This variant is associated with the following publications: (PMID: 30236257, 30325262, 39437899, 19191329, 16917943, 14732627, 19513315, 35586607, 39890490, 25960145, 21157159, 16163667, 12668474, 32153140, 21795085, 30788618, 41913278, 42126337)

Women's Health and Genetics/Laboratory Corporation of America, LabCorp
Classification: Pathogenic for Malignant hyperthermia of anesthesia. Last evaluated: 2025-09-05. Review status: criteria provided, single submitter. Criteria: LabCorp Variant Classification Summary - May 2015. Collection method: clinical testing. Allele origin: germline. Not counted in ClinVar's aggregate classification.
Comment: Variant summary: RYR1 c.8026C>T (p.Arg2676Trp) results in a non-conservative amino acid change in the encoded protein sequence. Algorithms developed to predict the effect of missense changes on protein structure and function are either unavailable or do not agree on the potential impact of this missense change. The variant allele was found at a frequency of 1.2e-05 in 251366 control chromosomes (gnomAD). c.8026C>T has been observed in multiple individuals affected with features of Malignant Hyperthermia Susceptibility or Multi-minicore disease (e.g., Guis_2004, Isackson_2018). These data indicate that the variant is very likely to be associated with disease. The following publications have been ascertained in the context of this evaluation (PMID: 14732627, 30325262). ClinVar contains an entry for this variant (Variation ID: 133217). Based on the evidence outlined above, the variant was classified as pathogenic.

OLLIN Analises Genomicas, OLLIN
Classification: Likely pathogenic for Malignant hyperthermia, susceptibility to, 1. Last evaluated: 2025-07-10. Review status: criteria provided, single submitter. Criteria: ACMG Guidelines 2015 PMID 25741868. Collection method: clinical testing. Allele origin: germline. Affected: yes. Observed: 1 variant allele. Not counted in ClinVar's aggregate classification.
Comment: The missense variant (chr19:38504319C>T), located in exon 50 (of 106), is reported in gnomAD v4.1 non-UKB with an allele frequency of 0.00051%, in ClinVar (VCV000133217.56), and in the scientific literature, also segregating with the phenotype, in individuals with malignant hyperthermia (PMID: 30236257, 16163667, 19191329, 25960145, 21157159, 14732627). In silico analysis is inconclusive regarding the impact of this variant. Based on the currently available evidence and the expert panel's classification for this variant (UUID: 149af01b-aeeb-4b3b-8053-07b981dc2ff1), it has been classified as likely pathogenic (PS4_M, PP1_S).

Variantyx, Inc.
Classification: Likely pathogenic for Malignant hyperthermia, susceptibility to, 1. Last evaluated: 2025-03-04. Review status: criteria provided, single submitter. Criteria: Variantyx Assertion Criteria 2022. Collection method: clinical testing. Allele origin: germline. Inheritance: Autosomal dominant inheritance. Affected: yes. Not counted in ClinVar's aggregate classification.
Comment: This is a nonsynonymous variant in the RYR1 gene (OMIM: 180901). Pathogenic variants in this gene have been associated with autosomal dominant susceptibility to malignant hyperthermia 1. This variant has been reported in several unrelated affected individuals (PMID: 30236257, 16163667, 19191329, 25960145, 21157159) (PS4_Moderate) and it has been observed to segregate with disease in many individuals from at least three families (PMID: 30236257, 25960145, 14732627) (PP1). This variant has a 0.0005% maximum allele frequency in non-founder control populations (PM2). Other reputable laboratories have reported this variant as pathogenic or likely pathogenic, and this classification has been validated by an expert panel in ClinVar (PP5). Based on the current evidence, this variant is classified as likely pathogenic for autosomal dominant susceptibility to malignant hyperthermia 1.

Labcorp Genetics (formerly Invitae), Labcorp
Classification: Pathogenic for RYR1-related disorder. Last evaluated: 2024-04-24. Review status: criteria provided, single submitter. Criteria: Invitae Variant Classification Sherloc (09022015). Collection method: clinical testing. Allele origin: germline. Not counted in ClinVar's aggregate classification.
Comment: This sequence change replaces arginine, which is basic and polar, with tryptophan, which is neutral and slightly polar, at codon 2676 of the RYR1 protein (p.Arg2676Trp). This variant is present in population databases (rs193922826, gnomAD 0.003%). This missense change has been observed in individuals with malignant hyperthermia (PMID: 14732627, 19191329, 25960145). It has also been observed to segregate with disease in related individuals. ClinVar contains an entry for this variant (Variation ID: 133217). Advanced modeling of protein sequence and biophysical properties (such as structural, functional, and spatial information, amino acid conservation, physicochemical variation, residue mobility, and thermodynamic stability) performed at Invitae indicates that this missense variant is not expected to disrupt RYR1 protein function with a negative predictive value of 95%. For these reasons, this variant has been classified as Pathogenic.

NM_000540.3(RYR1):c.8026C>T (p.Arg2676Trp)

Gene: RYR1 (ryanodine receptor 1; plus strand). Cytogenetic location: 19q13.2.
Variant type: single nucleotide variant.
Coding change: c.8026C>T on transcript NM_000540.3 (MANE Select); coding-DNA position 8026, C replaced by T.
Protein change: p.Arg2676Trp; replaces arginine 2676 with tryptophan.
Molecular consequence: missense variant.
Genome position (GRCh38, 1-based): chr19:38,504,319, C>T. VCF-style: chr19-38504319-C-T. GRCh37 (hg19) VCF-style: chr19-38994959-C-T.
Other names: NM_000540.2(RYR1):c.8026C>T; c.8026C>T, p.Arg2676Trp (NM_001042723.2); short protein forms R2676W.
Identifiers: ClinVar variation 133217 (VCV000133217.66), dbSNP rs193922826, ClinGen allele CA024883.